The following is an entry in ClinVar:

ClinVar aggregate classification (germline): Uncertain significance (1 of 4 stars; one submission).

Conditions:
Hereditary cancer-predisposing syndrome. Also called: Neoplastic Syndromes, Hereditary; Tumor predisposition; Hereditary neoplastic syndrome; Hereditary Cancer Syndrome. Identifiers: Orphanet 140162, MedGen C0027672, MeSH D009386, MONDO:0015356.

Submission:

Ambry Genetics
Classification: Uncertain significance for Hereditary cancer-predisposing syndrome. Last evaluated: 2022-06-22. Review status: criteria provided, single submitter. Criteria: Ambry Variant Classification Scheme 2023. Collection method: clinical testing. Allele origin: germline.
Comment: The p.G14D variant (also known as c.41G>A), located in coding exon 1 of the CHEK2 gene, results from a G to A substitution at nucleotide position 41. The glycine at codon 14 is replaced by aspartic acid, an amino acid with similar properties. This amino acid position is not well conserved in available vertebrate species. In addition, the in silico prediction for this alteration is inconclusive. Since supporting evidence is limited at this time, the clinical significance of this alteration remains unclear.

NM_007194.4(CHEK2):c.41G>A (p.Gly14Asp)

Gene: CHEK2 (checkpoint kinase 2; minus strand). Cytogenetic location: 22q12.1.
Variant type: single nucleotide variant.
Coding change: c.41G>A on transcript NM_007194.4 (MANE Select); coding-DNA position 41, G replaced by A.
Protein change: p.Gly14Asp; replaces glycine 14 with aspartic acid.
Molecular consequence: missense variant.
Genome position (GRCh38, 1-based): chr22:28,734,681, C>T on the plus strand (G>A on the coding strand, the complement: CHEK2 is on the minus strand). VCF-style: chr22-28734681-C-T. GRCh37 (hg19) VCF-style: chr22-29130669-C-T.
Other names: c.41G>A, p.Gly14Asp (NM_001005735.3, NM_001349956.3, NM_145862.3); c.-737G>A (NM_001257387.3); short protein forms G14D.
Identifiers: ClinVar variation 824672 (VCV000824672.4), dbSNP rs1601854035, ClinGen allele CA411091928.